The following is an entry in ClinVar:

ClinVar aggregate classification (germline): Uncertain significance (1 of 4 stars; one submission).

Conditions:
Inborn genetic diseases. Identifiers: MedGen C0950123, MeSH D030342.

Submission:

Ambry Genetics
Classification: Uncertain significance for Inborn genetic diseases. Last evaluated: 2026-07-07. Review status: criteria provided, single submitter. Criteria: Ambry Variant Classification Scheme 2023. Collection method: clinical testing. Allele origin: germline.
Comment: The p.A438V variant (also known as c.1313C>T), located in coding exon 5 of the GATA2 gene, results from a C to T substitution at nucleotide position 1313. The alanine at codon 438 is replaced by valine, an amino acid with similar properties. This amino acid position is conserved. In addition, the in silico prediction for this alteration is inconclusive. Based on the available evidence, the clinical significance of this variant remains unclear.

NM_032638.5(GATA2):c.1313C>T (p.Ala438Val)

Gene: GATA2 (GATA binding protein 2; minus strand). Cytogenetic location: 3q21.3.
Variant type: single nucleotide variant.
Coding change: c.1313C>T on transcript NM_032638.5 (MANE Select); coding-DNA position 1313, C replaced by T.
Protein change: p.Ala438Val; replaces alanine 438 with valine.
Molecular consequence: missense variant.
Genome position (GRCh38, 1-based): chr3:128,481,149, G>A on the plus strand (C>T on the coding strand, the complement: GATA2 is on the minus strand). VCF-style: chr3-128481149-G-A. GRCh37 (hg19) VCF-style: chr3-128199992-G-A.
Other names: c.1313C>T, p.Ala438Val (NM_001145661.2); c.1271C>T, p.Ala424Val (NM_001145662.1); short protein forms A424V, A438V.
Identifiers: ClinVar variation 5022208 (VCV005022208.1).